The following is an entry in ClinVar:

ClinVar aggregate classification (germline): Uncertain significance. Review status: criteria provided, multiple submitters, no conflicts (2 of 4 stars). 2 submissions from 2 submitters: Uncertain significance (2). Last evaluated 2023-08-24.

Conditions:
DNA ligase IV deficiency. Identifiers: Orphanet 99812, MedGen C1847827, MONDO:0011686, OMIM 606593.

Allele frequency attached by ClinVar (database versions not stated): gnomAD 0.00001; gnomAD exomes 0.00001 and 0.00004; TOPMed 0.00001.
gnomAD v4.1: 12 of 1,613,032 alleles (0.00074%); highest among the groups gnomAD compares: Admixed American, 0.018%; no homozygotes.

Submissions (2):

Labcorp Genetics (formerly Invitae), Labcorp
Classification: Uncertain significance for DNA ligase IV deficiency. Last evaluated: 2023-08-24. Review status: criteria provided, single submitter. Criteria: Invitae Variant Classification Sherloc (09022015). Collection method: clinical testing. Allele origin: germline.
Comment: This sequence change replaces methionine, which is neutral and non-polar, with isoleucine, which is neutral and non-polar, at codon 263 of the LIG4 protein (p.Met263Ile). This variant is present in population databases (no rsID available, gnomAD 0.03%). This variant has not been reported in the literature in individuals affected with LIG4-related conditions. ClinVar contains an entry for this variant (Variation ID: 1436530). Advanced modeling of protein sequence and biophysical properties (such as structural, functional, and spatial information, amino acid conservation, physicochemical variation, residue mobility, and thermodynamic stability) has been performed at Invitae for this missense variant, however the output from this modeling did not meet the statistical confidence thresholds required to predict the impact of this variant on LIG4 protein function. In summary, the available evidence is currently insufficient to determine the role of this variant in disease. Therefore, it has been classified as a Variant of Uncertain Significance.

GeneDx
Classification: Uncertain significance. Last evaluated: 2023-03-06. Review status: criteria provided, single submitter. Criteria: GeneDx Variant Classification Process June 2021. Collection method: clinical testing. Allele origin: germline. Affected: yes.
Comment: In silico analysis supports that this missense variant does not alter protein structure/function; Has not been previously published as pathogenic or benign to our knowledge

NM_206937.2(LIG4):c.789G>C (p.Met263Ile)

Gene: LIG4 (DNA ligase 4; minus strand). Cytogenetic location: 13q33.3.
Variant type: single nucleotide variant.
Coding change: c.789G>C on transcript NM_206937.2 (MANE Select); coding-DNA position 789, G replaced by C.
Protein change: p.Met263Ile; replaces methionine 263 with isoleucine.
Molecular consequence: missense variant.
Genome position (GRCh38, 1-based): chr13:108,210,480, C>G on the plus strand (G>C on the coding strand, the complement: LIG4 is on the minus strand). VCF-style: chr13-108210480-C-G. GRCh37 (hg19) VCF-style: chr13-108862828-C-G.
Other names: c.789G>C, p.Met263Ile (NM_001098268.2, NM_001352598.2, NM_001352599.2 and 6 more transcripts); c.588G>C, p.Met196Ile (NM_001330595.2); c.825G>C, p.Met275Ile (NM_001352604.2); short protein forms M263I, M196I, M275I.
Identifiers: ClinVar variation 1436530 (VCV001436530.4), dbSNP rs1295268527, ClinGen allele CA388620376.